The following is an entry in ClinVar:

ClinVar aggregate classification (germline): Pathogenic. Review status: criteria provided, single submitter (1 of 4 stars). 2 submissions from 2 submitters: Pathogenic (1). 1 of the submissions does not count toward it. Last evaluated 2023-10-06.

Conditions:
ACAD8-related disorder. Also called: ACAD8-related condition.
Deficiency of isobutyryl-CoA dehydrogenase. Also called: ACAD8 DEFICIENCY; IBD DEFICIENCY; ACYL-CoA DEHYDROGENASE FAMILY, MEMBER 8, DEFICIENCY OF. Identifiers: Orphanet 79159, MedGen C1969809, MONDO:0012648, OMIM 611283.

Allele frequency attached by ClinVar (database versions not stated): gnomAD exomes 0.00001; TOPMed 0.00001; 1000 Genomes Project 30x 0.00016; 1000 Genomes Project 0.00020.

Submissions (2):

Labcorp Genetics (formerly Invitae), Labcorp
Classification: Pathogenic for Deficiency of isobutyryl-CoA dehydrogenase. Last evaluated: 2023-10-06. Review status: criteria provided, single submitter. Criteria: Invitae Variant Classification Sherloc (09022015). Collection method: clinical testing. Allele origin: germline.
Comment: This sequence change affects a donor splice site in intron 9 of the ACAD8 gene. RNA analysis indicates that disruption of this splice site induces altered splicing and likely results in a shortened protein product. This variant is present in population databases (rs572619478, gnomAD 0.006%). Disruption of this splice site has been observed in individual(s) with isobutyryl-CoA dehydrogenase deficiency (PMID: 30253142). It has also been observed to segregate with disease in related individuals. ClinVar contains an entry for this variant (Variation ID: 1452933). Studies have shown that disruption of this splice site results in skipping of exon 9, but is expected to preserve the integrity of the reading-frame (PMID: 30253142). For these reasons, this variant has been classified as Pathogenic.

PreventionGenetics, part of Exact Sciences
Classification: Pathogenic for ACAD8-related condition. Last evaluated: 2024-04-15. Review status: no assertion criteria provided. Collection method: clinical testing. Allele origin: germline. Not counted in ClinVar's aggregate classification.
Comment: The ACAD8 c.1092+1G>A variant is predicted to disrupt the GT donor site and interfere with normal splicing. This variant has been reported with other ACAD8 variants in multiple individuals with isobutyryl-CoA dehydrogenase deficiency (Table 1, Lin et al. 2018. PubMed ID: 30253142; Table 1, Feng et al. 2021. PubMed ID: 34544473). This variant is reported in 0.0058% of alleles in individuals of Latino descent in gnomAD. Variants that disrupt the consensus splice donor site in ACAD8 are expected to be pathogenic. This variant is interpreted as pathogenic.

Literature cited by the submitters: PubMed 30253142 (cited by Labcorp Genetics (formerly Invitae), Labcorp).

NM_014384.3(ACAD8):c.1092+1G>A

Gene: ACAD8 (acyl-CoA dehydrogenase family member 8; plus strand). Cytogenetic location: 11q25.
Variant type: single nucleotide variant.
Coding change: c.1092+1G>A on transcript NM_014384.3 (MANE Select); the canonical splice donor site of the intron after coding-DNA position 1092, G replaced by A.
Molecular consequence: splice donor variant.
Genome position (GRCh38, 1-based): chr11:134,261,891, G>A. VCF-style: chr11-134261891-G-A. GRCh37 (hg19) VCF-style: chr11-134131785-G-A.
Other names: c.1092+1G>A (NM_014384.2).
Identifiers: ClinVar variation 1452933 (VCV001452933.9), dbSNP rs572619478, ClinGen allele CA6373205.